The following is an entry in ClinVar:

ClinVar aggregate classification (germline): Uncertain significance. Review status: criteria provided, multiple submitters, no conflicts (2 of 4 stars). 2 submissions from 2 submitters: Uncertain significance (2). Last evaluated 2025-12-17.

Conditions:
Brittle cornea syndrome 1 (BCS1). Also called: DYSGENESIS MESODERMALIS CORNEAE ET SCLERAE; CORNEAL FRAGILITY, KERATOGLOBUS, BLUE SCLERAE, JOINT HYPEREXTENSIBILITY; EDS6B; FRAGILITAS OCULI WITH JOINT HYPEREXTENSIBILITY; Corneal fragility keratoglobus, blue sclerae AND joint hypermobility. Identifiers: Orphanet 90354, MedGen C0268344, MONDO:0024543, OMIM 229200.

Allele frequency attached by ClinVar (database versions not stated): TOPMed below 0.00001; gnomAD exomes 0.00016; ExAC 0.00035.
gnomAD v4.1: 74 of 1,520,388 alleles (0.0049%); highest among the groups gnomAD compares: South Asian, 0.086%; no homozygotes.

Submissions (2):

Labcorp Genetics (formerly Invitae), Labcorp
Classification: Uncertain significance. Last evaluated: 2025-12-17. Review status: criteria provided, single submitter. Criteria: Invitae Variant Classification Sherloc (09022015). Collection method: clinical testing. Allele origin: germline.
Comment: This sequence change replaces aspartic acid, which is acidic and polar, with glycine, which is neutral and non-polar, at codon 3286 of the ZNF469 protein (p.Asp3286Gly). This variant is present in population databases (rs757791330, gnomAD 0.09%). This variant has not been reported in the literature in individuals affected with ZNF469-related conditions. ClinVar contains an entry for this variant (Variation ID: 1480439). An algorithm developed to predict the effect of missense changes on protein structure and function outputs the following: PolyPhen-2: "Benign". The glycine amino acid residue is found in multiple mammalian species, which suggests that this missense change does not adversely affect protein function. In summary, the available evidence is currently insufficient to determine the role of this variant in disease. Therefore, it has been classified as a Variant of Uncertain Significance.

Revvity Omics, Revvity
Classification: Uncertain significance for Brittle cornea syndrome 1. Last evaluated: 2022-01-12. Review status: criteria provided, single submitter. Criteria: ACMG Guidelines, 2015. Collection method: clinical testing. Allele origin: germline.

NM_001367624.2(ZNF469):c.9941A>G (p.Asp3314Gly)

Gene: ZNF469 (zinc finger protein 469; plus strand). Cytogenetic location: 16q24.2.
Variant type: single nucleotide variant.
Coding change: c.9941A>G on transcript NM_001367624.2 (MANE Select); coding-DNA position 9941, A replaced by G.
Protein change: p.Asp3314Gly; replaces aspartic acid 3314 with glycine.
Molecular consequence: missense variant.
Genome position (GRCh38, 1-based): chr16:88,437,411, A>G. VCF-style: chr16-88437411-A-G. GRCh37 (hg19) VCF-style: chr16-88503819-A-G.
Other names: short protein forms D3314G.
Identifiers: ClinVar variation 1480439 (VCV001480439.7), dbSNP rs757791330, ClinGen allele CA8225466.